The following is an entry in ClinVar:

ClinVar aggregate classification (germline): Benign/Likely benign. Review status: criteria provided, multiple submitters, no conflicts (2 of 4 stars). 3 submissions from 3 submitters: Benign (1); Likely benign (1). 1 of the submissions does not count toward it. Last evaluated 2024-11-26.

Conditions:
LDHD-related disorder. Also called: LDHD-related condition.

Allele frequency attached by ClinVar (database versions not stated): gnomAD exomes 0.00082 and 0.00198; ExAC 0.00456; gnomAD 0.00725 and 0.00770; 1000 Genomes Project 0.00739; ESP Exome Variant Server 0.00775; TOPMed 0.00779; 1000 Genomes Project 30x 0.00796.
gnomAD v4.1: 2,300 of 1,534,684 alleles (0.15%); highest among the groups gnomAD compares: African/African-American, 2.4%; 21 homozygotes.

Submissions (3):

Blueprint Genetics
Classification: Likely benign. Last evaluated: 2024-11-26. Review status: criteria provided, single submitter. Criteria: ACMG Guidelines, 2015. Collection method: clinical testing. Allele origin: germline.

Labcorp Genetics (formerly Invitae), Labcorp
Classification: Benign. Last evaluated: 2018-05-21. Review status: criteria provided, single submitter. Criteria: Invitae Variant Classification Sherloc (09022015). Collection method: clinical testing. Allele origin: germline.

PreventionGenetics, part of Exact Sciences
Classification: Benign for LDHD-related condition. Last evaluated: 2020-01-02. Review status: no assertion criteria provided. Collection method: clinical testing. Allele origin: germline. Not counted in ClinVar's aggregate classification.
Comment: This variant is classified as benign based on ACMG/AMP sequence variant interpretation guidelines (Richards et al. 2015 PMID: 25741868, with internal and published modifications).

NM_194436.3(LDHD):c.470-10C>T

Gene: LDHD (lactate dehydrogenase D; minus strand). Cytogenetic location: 16q23.1.
Variant type: single nucleotide variant.
Coding change: c.470-10C>T on transcript NM_194436.3 (MANE Select); 10 bases into the intron before coding-DNA position 470, C replaced by T.
Molecular consequence: intron variant.
Genome position (GRCh38, 1-based): chr16:75,114,695, G>A on the plus strand (C>T on the coding strand, the complement: LDHD is on the minus strand). VCF-style: chr16-75114695-G-A. GRCh37 (hg19) VCF-style: chr16-75148593-G-A.
Other names: c.470-10C>T (NM_153486.4).
Identifiers: ClinVar variation 768794 (VCV000768794.6), dbSNP rs147378502, ClinGen allele CA8172535.